The following is an entry in ClinVar:

NM_000038.6(APC):c.1535A>G (p.Asp512Gly)

Gene: APC (APC regulator of Wnt signaling pathway; plus strand). Cytogenetic location: 5q22.2.
Variant type: single nucleotide variant.
Coding change: c.1535A>G on transcript NM_000038.6 (MANE Select); coding-DNA position 1535, A replaced by G.
Protein change: p.Asp512Gly; replaces aspartic acid 512 with glycine.
Molecular consequence: missense variant.
Genome position (GRCh38, 1-based): chr5:112,827,234, A>G. VCF-style: chr5-112827234-A-G. GRCh37 (hg19) VCF-style: chr5-112162931-A-G.
Other names: c.1535A>G, p.Asp512Gly (NM_001127510.3, NM_001354895.2, NM_001407450.1); c.1481A>G, p.Asp494Gly (NM_001127511.3); c.1589A>G, p.Asp530Gly (NM_001354896.2, NM_001407447.1, NM_001407448.1 and 1 more transcripts); c.1565A>G, p.Asp522Gly (NM_001354897.2); c.1460A>G, p.Asp487Gly (NM_001354898.2); c.1451A>G, p.Asp484Gly (NM_001354899.2); c.1412A>G, p.Asp471Gly (NM_001354900.2); c.1358A>G, p.Asp453Gly (NM_001354901.2, NM_001407453.1); and 11 more; short protein forms D128G, D229G, D352G, D383G, D386G, D411G, D421G, D429G.
Identifiers: ClinVar variation 1717854 (VCV001717854.9), dbSNP rs1580566032, ClinGen allele CA16024662.

ClinVar aggregate classification (germline): Uncertain significance. Review status: criteria provided, multiple submitters, no conflicts (2 of 4 stars). 3 submissions from 3 submitters: Uncertain significance (3). Last evaluated 2025-01-27.

Conditions:
Classic or attenuated familial adenomatous polyposis. Identifiers: MedGen CN372698, MONDO:0021057.
Hereditary cancer-predisposing syndrome. Also called: Hereditary neoplastic syndrome; Neoplastic Syndromes, Hereditary; Hereditary Cancer Syndrome; Tumor predisposition. Identifiers: Orphanet 140162, MedGen C0027672, MeSH D009386, MONDO:0015356.
Familial adenomatous polyposis 1 (FAP1). Also called: FAMILIAL ADENOMATOUS POLYPOSIS 1, ATTENUATED; POLYPOSIS, ADENOMATOUS INTESTINAL. Identifiers: MedGen C2713442, MONDO:0021056, OMIM 175100. Disease mechanism: loss of function.

Submissions (3):

Labcorp Genetics (formerly Invitae), Labcorp
Classification: Uncertain significance for Familial adenomatous polyposis 1. Last evaluated: 2025-01-27. Review status: criteria provided, single submitter. Criteria: Invitae Variant Classification Sherloc (09022015). Collection method: clinical testing. Allele origin: germline.
Comment: This sequence change replaces aspartic acid, which is acidic and polar, with glycine, which is neutral and non-polar, at codon 512 of the APC protein (p.Asp512Gly). This variant is not present in population databases (gnomAD no frequency). This variant has not been reported in the literature in individuals affected with APC-related conditions. ClinVar contains an entry for this variant (Variation ID: 1717854). Invitae Evidence Modeling of protein sequence and biophysical properties (such as structural, functional, and spatial information, amino acid conservation, physicochemical variation, residue mobility, and thermodynamic stability) indicates that this missense variant is not expected to disrupt APC protein function with a negative predictive value of 95%. In summary, the available evidence is currently insufficient to determine the role of this variant in disease. Therefore, it has been classified as a Variant of Uncertain Significance.

All of Us Research Program, National Institutes of Health
Classification: Uncertain significance for Classic or attenuated familial adenomatous polyposis. Last evaluated: 2023-06-26. Review status: criteria provided, single submitter. Criteria: ACMG Guidelines, 2015. Collection method: clinical testing. Allele origin: germline. Inheritance: Autosomal dominant inheritance. Observed: 1 variant allele, 1 heterozygote.
Comment: This missense variant replaces aspartic acid with glycine at codon 512 of the APC protein. Computational prediction suggests that this variant may have deleterious impact on protein structure and function (internally defined REVEL score threshold >= 0.7, PMID: 27666373). To our knowledge, functional studies have not been reported for this variant. This variant has not been reported in individuals affected with APC-related disorders in the literature. This variant has not been identified in the general population by the Genome Aggregation Database (gnomAD). The available evidence is insufficient to determine the role of this variant in disease conclusively. Therefore, this variant is classified as a Variant of Uncertain Significance.

This study involves interpretation of variants in research participants for the purpose of population health screening. Participant phenotype was not available at the time of variant classification. Additional details can be found in publication PMID: 35346344, PMCID: PMC8962531

Ambry Genetics
Classification: Uncertain significance for Hereditary cancer-predisposing syndrome. Last evaluated: 2022-09-26. Review status: criteria provided, single submitter. Criteria: Ambry Variant Classification Scheme 2023. Collection method: clinical testing. Allele origin: germline.
Comment: The p.D512G variant (also known as c.1535A>G), located in coding exon 11 of the APC gene, results from an A to G substitution at nucleotide position 1535. The aspartic acid at codon 512 is replaced by glycine, an amino acid with similar properties. This amino acid position is conserved. In addition, in silico predictors for this gene do not accurately predict pathogenicity. Since supporting evidence is limited at this time, the clinical significance of this alteration remains unclear.